The following is an entry in ClinVar:

NM_194248.3(OTOF):c.1700C>A (p.Ala567Asp)

Gene: OTOF (otoferlin; minus strand). Cytogenetic location: 2p23.3.
Variant type: single nucleotide variant.
Coding change: c.1700C>A on transcript NM_194248.3 (MANE Select); coding-DNA position 1700, C replaced by A.
Protein change: p.Ala567Asp; replaces alanine 567 with aspartic acid.
Molecular consequence: missense variant.
Genome position (GRCh38, 1-based): chr2:26,480,889, G>T on the plus strand (C>A on the coding strand, the complement: OTOF is on the minus strand). VCF-style: chr2-26480889-G-T. GRCh37 (hg19) VCF-style: chr2-26703757-G-T.
Other names: c.1700C>A, p.Ala567Asp (NM_001287489.2); c.1700C>A (NM_194248.2); short protein forms A567D.
Identifiers: ClinVar variation 930089 (VCV000930089.8), dbSNP rs745520384, ClinGen allele CA1564195.

ClinVar aggregate classification (germline): Uncertain significance. Review status: criteria provided, multiple submitters, no conflicts (2 of 4 stars). 4 submissions from 4 submitters: Uncertain significance (4). Last evaluated 2026-09-15.

Conditions:
Inborn genetic diseases. Identifiers: MedGen C0950123, MeSH D030342.
OTOF-related disorder. Also called: OTOF-related condition.

Allele frequency attached by ClinVar (database versions not stated): ExAC 0.00002.
gnomAD v4.1: 7 of 1,612,976 alleles (0.00043%); highest among the groups gnomAD compares: Admixed American, 0.012%; no homozygotes.

Submissions (4):

PreventionGenetics, part of Exact Sciences
Classification: Uncertain significance for OTOF-related condition. Last evaluated: 2026-09-15. Review status: criteria provided, single submitter. Criteria: ACMG Guidelines, 2015. Collection method: clinical testing. Allele origin: germline.
Comment: The OTOF c.1700C>A variant is predicted to result in the amino acid substitution p.Ala567Asp. To our knowledge, this variant has not been reported in the literature. This variant is reported in 0.014% of alleles in individuals of Latino descent in gnomAD. At this time, the clinical significance of this variant is uncertain due to the absence of conclusive functional and genetic evidence.

GeneDx
Classification: Uncertain significance. Last evaluated: 2023-06-21. Review status: criteria provided, single submitter. Criteria: GeneDx Variant Classification Process June 2021. Collection method: clinical testing. Allele origin: germline. Affected: yes.
Comment: In silico analysis supports that this missense variant has a deleterious effect on protein structure/function; Has not been previously published as pathogenic or benign to our knowledge

Ambry Genetics
Classification: Uncertain significance for Inborn genetic diseases. Last evaluated: 2022-09-22. Review status: criteria provided, single submitter. Criteria: Ambry Variant Classification Scheme 2023. Collection method: clinical testing. Allele origin: germline.

Laboratory for Molecular Medicine, Mass General Brigham Personalized Medicine
Classification: Uncertain significance. Last evaluated: 2019-08-14. Review status: criteria provided, single submitter. Criteria: LMM Criteria. Collection method: clinical testing. Allele origin: germline. Observed: 1 variant allele.
Comment: The p.Ala567Asp variant in OTOF has not been previously reported in individuals with hearing loss but has been identified in 0.01% (5/34564) of Latino chromosomes by gnomAD. Computational prediction tools and conservation analysis suggest that this variant may impact the protein, though this information is not predictive enough to determine pathogenicity. In summary, the clinical significance of this variant is uncertain. ACMG/AMP Criteria applied: PM2_Supporting, PP3.